The following is an entry in ClinVar:

NM_000070.3(CAPN3):c.2150T>A (p.Phe717Tyr)

Gene: CAPN3 (calpain 3; plus strand). Cytogenetic location: 15q15.1.
Variant type: single nucleotide variant.
Coding change: c.2150T>A on transcript NM_000070.3 (MANE Select); coding-DNA position 2150, T replaced by A.
Protein change: p.Phe717Tyr; replaces phenylalanine 717 with tyrosine.
Molecular consequence: missense variant.
Genome position (GRCh38, 1-based): chr15:42,410,462, T>A. VCF-style: chr15-42410462-T-A. GRCh37 (hg19) VCF-style: chr15-42702660-T-A.
Other names: c.2132T>A, p.Phe711Tyr (NM_024344.2); c.1874T>A, p.Phe625Tyr (NM_173087.2); c.614T>A, p.Phe205Tyr (NM_173088.2); c.155T>A, p.Phe52Tyr (NM_173089.2, NM_173090.2); short protein forms F711Y, F625Y, F52Y, F717Y, F205Y.
Identifiers: ClinVar variation 3711199 (VCV003711199.1).
Genomic context (GRCh38, chr15:42,410,462, plus strand): 5'-GTGTAGCCCTGACCTCCCTCCTCCAGACAGATGGCTCTGGAAAGCTCAACCTGCAGGAGT[T>A]CCACCACCTCTGGAACAAGATTAAGGCCTGGCAGGTGGGAAGAGAAAATGAAGCGTGGGA-3'
Protein context (NP_000061.1, residues 707-727): DGSGKLNLQE[Phe717Tyr]HHLWNKIKAW

ClinVar aggregate classification (germline): Uncertain significance (1 of 4 stars; one submission).

Conditions:
Autosomal recessive limb-girdle muscular dystrophy type 2A (LGMDR1). Also called: Calpainopathy; Muscular dystrophy, limb-girdle, type 2A, Amish; LEYDEN-MOEBIUS MUSCULAR DYSTROPHY; MUSCULAR DYSTROPHY, PELVOFEMORAL; Limb-girdle muscular dystrophy, type 2A. Identifiers: Orphanet 267, MedGen C1869123, MONDO:0009675, OMIM 253600. Disease mechanism: loss of function.

Submission:

Labcorp Genetics (formerly Invitae), Labcorp
Classification: Uncertain significance for Autosomal recessive limb-girdle muscular dystrophy type 2A. Last evaluated: 2024-12-04. Review status: criteria provided, single submitter. Criteria: Invitae Variant Classification Sherloc (09022015). Collection method: clinical testing. Allele origin: germline.
Comment: This sequence change replaces phenylalanine, which is neutral and non-polar, with tyrosine, which is neutral and polar, at codon 717 of the CAPN3 protein (p.Phe717Tyr). This variant is not present in population databases (gnomAD no frequency). This variant has not been reported in the literature in individuals affected with CAPN3-related conditions. Invitae Evidence Modeling of protein sequence and biophysical properties (such as structural, functional, and spatial information, amino acid conservation, physicochemical variation, residue mobility, and thermodynamic stability) indicates that this missense variant is expected to disrupt CAPN3 protein function with a positive predictive value of 80%. In summary, the available evidence is currently insufficient to determine the role of this variant in disease. Therefore, it has been classified as a Variant of Uncertain Significance.